The following is an entry in ClinVar:

NM_000458.4(HNF1B):c.866A>C (p.Asn289Thr)

Gene: HNF1B (HNF1 homeobox B; minus strand). Cytogenetic location: 17q12.
Variant type: single nucleotide variant.
Coding change: c.866A>C on transcript NM_000458.4 (MANE Select); coding-DNA position 866, A replaced by C.
Protein change: p.Asn289Thr; replaces asparagine 289 with threonine.
Molecular consequence: missense variant.
Genome position (GRCh38, 1-based): chr17:37,731,774, T>G on the plus strand (A>C on the coding strand, the complement: HNF1B is on the minus strand). VCF-style: chr17-37731774-T-G. GRCh37 (hg19) VCF-style: chr17-36091765-T-G.
Other names: c.788A>C, p.Asn263Thr (NM_001165923.4, NM_001304286.2); c.866A>C, p.Asn289Thr (NM_001411100.1); short protein forms N263T, N289T.
Identifiers: ClinVar variation 3346211 (VCV003346211.1).

ClinVar aggregate classification (germline): Likely pathogenic (0 of 4 stars; one submission).

Conditions:
HNF1B-related disorder. Also called: HNF1B-related condition; HNF1B-related disorders.

Submission:

PreventionGenetics, part of Exact Sciences
Classification: Likely pathogenic for HNF1B-related condition. Last evaluated: 2024-09-08. Review status: no assertion criteria provided. Collection method: clinical testing. Allele origin: germline.
Comment: The HNF1B c.866A>C variant is predicted to result in the amino acid substitution p.Asn289Thr. This variant has been reported in in individual with HNF1B-related nephropathy and this variant was inherited from the mother who had a dysplastic left kidney with nephrolithiasis (Petrakis et al. 2024. PubMed ID: 38674137). Of note, the p.Asn289 residue is located in the highly conserved homeodomain of HNF1B, which is critical for the normal function of the protein; and other substitutions at the same codon have been reported in individuals with HNF1B-related diseases (p.Asn289His in Ishiwa et al. 2019. PubMed ID: 30937553 and Oba et al. 2021. PubMed ID: 33851123; p.Asn289Asp in Faguer et al. 2011. PubMed ID: 21775974, de novo and Yu et al. 2023. PubMed ID: 36777702 ; p.Asn289Lys in Johansson et al. 2017. PubMed ID: 27913849). The c.866A>C (p.Asn289Thr) variant has not been reported in a large population database, indicating this variant is rare. This variant is interpreted as likely pathogenic.